The following is an entry in ClinVar:

ClinVar aggregate classification (germline): Pathogenic. Review status: criteria provided, single submitter (1 of 4 stars). 3 submissions from 3 submitters: Pathogenic (1). 2 of the submissions do not count toward it. Last evaluated 2020-09-10.

Conditions:
Intellectual developmental disorder, autosomal dominant 44, with microcephaly. Also called: Micrognathia-recurrent infections-behavioral abnormalities-mild intellectual disability syndrome; TRIO-Related Intellectual Disability. Identifiers: Orphanet 476126, MedGen C4310740, MONDO:0014892, OMIM 617061.

Submissions (3):

SIB Swiss Institute of Bioinformatics
Classification: Pathogenic for Intellectual developmental disorder, autosomal dominant 44, with microcephaly. Last evaluated: 2020-09-10. Review status: criteria provided, single submitter. Criteria: ACMG Guidelines, 2015. Collection method: curation. Allele origin: unknown.
Comment: This variant is interpreted as pathogenic for Intellectual developmental disorder, autosomal dominant 44, with microcephaly. The following ACMG Tag(s) were applied: Absent from controls (or at extremely low frequency if recessive) in Exome Sequencing Project, 1000 Genomes Project, or Exome Aggregation Consortium (PM2); De novo (paternity and maternity confirmed) (PS2); Missense variant in a gene that has a low rate of benign missense variation and in which missense variants are a common mechanism of disease (PP2); Multiple lines of computational evidence support a deleterious effect on the gene or gene product (PP3); Located in a mutational hot spot and/or critical and well-established functional domain (e.g., active site of an enzyme) without benign variation (PM1).

OMIM
Classification: Pathogenic for INTELLECTUAL DEVELOPMENTAL DISORDER, AUTOSOMAL DOMINANT 44, WITH MICROCEPHALY. Last evaluated: 2020-03-31. Review status: no assertion criteria provided. Collection method: literature only. Allele origin: germline. Not counted in ClinVar's aggregate classification.

GeneReviews
No classification provided. Condition: Intellectual developmental disorder, autosomal dominant 44, with microcephaly. Review status: no classification provided. Collection method: literature only. Allele origin: germline. Not counted in ClinVar's aggregate classification.

Literature cited by the submitters: PubMed 27418539 (cited by SIB Swiss Institute of Bioinformatics and OMIM); PubMed 32109419 (cited by OMIM); NCBI Bookshelf NBK447257 (cited by GeneReviews); PubMed 28796471 (cited by GeneReviews).

NM_007118.4(TRIO):c.4381C>A (p.Pro1461Thr)

Gene: TRIO (trio Rho guanine nucleotide exchange factor; plus strand). Cytogenetic location: 5p15.2.
Variant type: single nucleotide variant.
Coding change: c.4381C>A on transcript NM_007118.4 (MANE Select); coding-DNA position 4381, C replaced by A.
Protein change: p.Pro1461Thr; replaces proline 1461 with threonine.
Molecular consequence: missense variant. On other transcripts: non-coding transcript variant (1).
Genome position (GRCh38, 1-based): chr5:14,397,112, C>A. VCF-style: chr5-14397112-C-A. GRCh37 (hg19) VCF-style: chr5-14397221-C-A.
Other names: short protein forms P1461T.
Identifiers: ClinVar variation 253085 (VCV000253085.6), dbSNP rs879255627, ClinGen allele CA10586190.
Genomic context (GRCh38, chr5:14,397,112, plus strand): 5'-ACGTGCTGTGAGGAAGGAAAGGGAGAGATTAAAGATGGCCTGGAGGTGATGCTCAGCGTG[C>A]CGAAGCGAGCCAATGATGCCATGCACCTCAGCATGCTGGAAGGTAAAGGACCCTCCATAC-3'
Protein context (NP_009049.2, residues 1451-1471): KDGLEVMLSV[Pro1461Thr]KRANDAMHLS